The following is an entry in ClinVar:

NM_001165963.4(SCN1A):c.4624G>A (p.Val1542Ile)

Genes: SCN1A (sodium voltage-gated channel alpha subunit 1; minus strand), LOC102724058 (uncharacterized LOC102724058; plus strand). Cytogenetic location: 2q24.3.
Variant type: single nucleotide variant.
Coding change: c.4624G>A on transcript NM_001165963.4 (MANE Select); coding-DNA position 4624, G replaced by A.
Protein change: p.Val1542Ile; replaces valine 1542 with isoleucine.
Molecular consequence: missense variant. On other transcripts: non-coding transcript variant (1).
Genome position (GRCh38, 1-based): chr2:165,994,374, C>T on the plus strand (G>A on the coding strand, the complement: SCN1A is on the minus strand). VCF-style: chr2-165994374-C-T. GRCh37 (hg19) VCF-style: chr2-166850884-C-T.
Other names: c.4624G>A, p.Val1542Ile (NM_001353948.2, NM_001202435.3); c.4591G>A, p.Val1531Ile (NM_001353949.2, NM_001353950.2, NM_001353951.2 and 2 more transcripts); c.4588G>A, p.Val1530Ile (NM_001353954.2, NM_001353955.2); c.4540G>A, p.Val1514Ile (NM_001353957.2, NM_001353958.2, NM_001165964.3); c.4537G>A, p.Val1513Ile (NM_001353960.2); c.2182G>A, p.Val728Ile (NM_001353961.2); c.4624G>A (NM_001165963.1); short protein forms V1514I, V1531I, V1530I, V1513I, V1542I, V728I.
Identifiers: ClinVar variation 2128344 (VCV002128344.5), dbSNP rs1689716659, ClinGen allele CA349072290.
Genomic context (GRCh38, chr2:165,994,374, plus strand): 5'-TTTCCACCATCATTGTGACCATGTTAAGACAGATGAGAATCATGATGCTTATGTCAAAAA[C>T]TTGTCTGGTTACGAAGTCAAAGACCATTCCTTGAAATTTGTTCTGTAGAGAAATAGAAAT-3'
Protein context (NP_001159435.1, residues 1532-1552): GMVFDFVTRQ[Val1542Ile]FDISIMILIC

ClinVar aggregate classification (germline): Uncertain significance. Review status: criteria provided, multiple submitters, no conflicts (2 of 4 stars). 2 submissions from 2 submitters: Uncertain significance (2). Last evaluated 2024-10-28.

Conditions:
Early-infantile DEE. Also called: Early infantile epileptic encephalopathy; Ohtahara syndrome; Early infantile epileptic encephalopathy with suppression bursts. Identifiers: Orphanet 1934, MedGen C0393706, MONDO:0800491.

Allele frequency attached by ClinVar (database versions not stated): TOPMed below 0.00001.
gnomAD v4.1: 5 of 1,612,942 alleles (0.00031%); highest among the groups gnomAD compares: Non-Finnish European, 0.00042%; no homozygotes.

Submissions (2):

GeneDx
Classification: Uncertain significance. Last evaluated: 2024-10-28. Review status: criteria provided, single submitter. Criteria: GeneDx Variant Classification Process June 2021. Collection method: clinical testing. Allele origin: germline. Affected: yes.
Comment: Not observed at significant frequency in large population cohorts (gnomAD); In silico analysis indicates that this missense variant does not alter protein structure/function; This substitution is predicted to be within the cytoplasmic loop between the third and fourth homologous domains; Has not been previously published as pathogenic or benign to our knowledge

Labcorp Genetics (formerly Invitae), Labcorp
Classification: Uncertain significance for Early-infantile DEE. Last evaluated: 2022-10-17. Review status: criteria provided, single submitter. Criteria: Invitae Variant Classification Sherloc (09022015). Collection method: clinical testing. Allele origin: germline.
Comment: This variant is not present in population databases (gnomAD no frequency). This variant has not been reported in the literature in individuals affected with SCN1A-related conditions. Advanced modeling of protein sequence and biophysical properties (such as structural, functional, and spatial information, amino acid conservation, physicochemical variation, residue mobility, and thermodynamic stability) performed at Invitae indicates that this missense variant is not expected to disrupt SCN1A protein function. In summary, the available evidence is currently insufficient to determine the role of this variant in disease. Therefore, it has been classified as a Variant of Uncertain Significance. This sequence change replaces valine, which is neutral and non-polar, with isoleucine, which is neutral and non-polar, at codon 1542 of the SCN1A protein (p.Val1542Ile).